The following is an entry in ClinVar:

NM_005245.4(FAT1):c.748G>A (p.Ala250Thr)

Gene: FAT1 (FAT atypical cadherin 1; minus strand). Cytogenetic location: 4q35.2.
Variant type: single nucleotide variant.
Coding change: c.748G>A on transcript NM_005245.4 (MANE Select); coding-DNA position 748, G replaced by A.
Protein change: p.Ala250Thr; replaces alanine 250 with threonine.
Molecular consequence: missense variant.
Genome position (GRCh38, 1-based): chr4:186,709,080, C>T on the plus strand (G>A on the coding strand, the complement: FAT1 is on the minus strand). VCF-style: chr4-186709080-C-T. GRCh37 (hg19) VCF-style: chr4-187630234-C-T.
Other names: short protein forms A250T.
Identifiers: ClinVar variation 3377412 (VCV003377412.1).

ClinVar aggregate classification (germline): Uncertain significance (1 of 4 stars; one submission).

Conditions:
Familial idiopathic steroid-resistant nephrotic syndrome. Also called: Genetic Steroid-Resistant Nephrotic Syndrome. Identifiers: Orphanet 656, MedGen C4273714, MONDO:0019006.

Submission:

Victorian Clinical Genetics Services, Murdoch Childrens Research Institute
Classification: Uncertain significance for Familial idiopathic steroid-resistant nephrotic syndrome. Last evaluated: 2020-06-11. Review status: criteria provided, single submitter. Criteria: ACMG Guidelines, 2015. Collection method: clinical testing. Allele origin: germline. Affected: yes.
Comment: Based on the classification scheme VCGS_Germline_v1.3.2, this variant is classified as 3B-VUS. Following criteria are met: 0102 - Loss of function is a mechanism of disease in this gene and is associated with Steroid-resistant nephrotic syndrome (PMID: 26905694). (I) 0108 - This gene is associated with both recessive and dominant disease. This variant has been reported to be associated with autosomal recessive steroid-resistant nephrotic syndrome and syndromic form of coloboma (PMIDs: 26905694; 30862798). However, it has also been associated with autosomal dominant Facioscapulohumeral Dystrophy-Like Phenotype (PMID: 25615407). (I) 0200 - Variant is predicted to result in a missense amino acid change from alanine to threonine (exon 2). (I) 0251 - This variant is heterozygous. (I) 0304 - Variant is present in gnomAD v2 <0.01 for a recessive condition (5 heterozygotes, 0 homozygotes). (SP) 0502 - Missense variant with conflicting in silico predictions and uninformative conservation. (I) 0600 - Variant is located in the annotated Cadherin tandem repeat domain (NCBI conserved domain). (I) 0705 - No comparable missense variants have previous evidence for pathogenicity. (I) 0807 - This variant has no previous evidence of pathogenicity. (I) 0905 - No published segregation evidence has been identified for this variant. (I) 1007 - No published functional evidence has been identified for this variant. (I) 1208 - Inheritance information for this variant is not currently available in this individual. (I) Legend: (P) - Pathogenic, (N) - Neutral, (B) - Benign Legend: (SP) - Supporting pathogenic, (I) - Information, (SB) - Supporting benign

Literature cited by the submitters: PubMed 25615407; PubMed 26905694; PubMed 30862798.